The following is an entry in ClinVar:

NM_030974.4(SHARPIN):c.93_104dup (p.Pro35_Asp36insGlyAlaGlyPro)

Genes: SHARPIN (SHANK associated RH domain interactor; minus strand), LOC130001367 (ATAC-STARR-seq lymphoblastoid silent region 19657; plus strand). Cytogenetic location: 8q24.3.
Variant type: Duplication.
Coding change: c.93_104dup on transcript NM_030974.4 (MANE Select); coding-DNA positions 93 to 104, 12 bases duplicated (GGGCGCCGGGCC).
Protein change: p.Pro35_Asp36insGlyAlaGlyPro.
Molecular consequence: inframe insertion. On other transcripts: non-coding transcript variant (1).
Genome position (GRCh38, 1-based): chr8:144,103,650-144,103,661, GGCCCGGCGCCC duplicated on the plus strand (GGGCGCCGGGCC on the coding strand, the reverse complement: SHARPIN is on the minus strand). VCF-style (leftmost placement, unchanged base first): chr8-144103649-T-TGGCCCGGCGCCC. GRCh37 (hg19) VCF-style: chr8-145158552-T-TGGCCCGGCGCCC.
Identifiers: ClinVar variation 4820665 (VCV004820665.4).

ClinVar aggregate classification (germline): Likely benign (1 of 4 stars; one submission).

Submission:

CeGaT Center for Human Genetics Tuebingen
Classification: Likely benign. Last evaluated: 2026-03-01. Review status: criteria provided, single submitter. Criteria: CeGaT Center For Human Genetics Tuebingen Variant Classification Criteria Version 2. Collection method: clinical testing. Allele origin: germline. Affected: yes. Observed: 1 variant allele.
Comment: SHARPIN: PM4, BS2